The following is an entry in ClinVar:

NR_002196.3(H19):n.1948T>A

Genes: H19 (H19 imprinted maternally expressed transcript; minus strand), HOTS (H19 opposite tumor suppressor; plus strand), MRPL23 (mitochondrial ribosomal protein L23; plus strand). Cytogenetic location: 11p15.5.
Variant type: single nucleotide variant.
Molecular consequence: non-coding transcript variant (on NR_002196.3). On other transcripts: intron variant (1).
Genome position: GRCh38 VCF-style: chr11-1995543-A-T. GRCh37 (hg19) VCF-style: chr11-2016773-A-T.
Other names: c.498-15998A>T (NM_001400176.1).
Identifiers: ClinVar variation 3352647 (VCV003352647.1).
Genomic context (GRCh38, chr11:1,995,543, plus strand): 5'-AAATTAAATTCAGAAGGGACGGGGGAAACAGAGTCGTGGAGGCTTTGAATCTCTCAGAAA[A>T]AAGGAAAGACAGGAAAGCTCAGAAACAAAGAGACAGAAGGATGAAAAAGAAGAAGAGGGA-3'

ClinVar aggregate classification (germline): Likely benign (0 of 4 stars; one submission).

Conditions:
H19-related disorder. Also called: H19-related condition.

Submission:

PreventionGenetics, part of Exact Sciences
Classification: Likely benign for H19-related condition. Last evaluated: 2024-07-13. Review status: no assertion criteria provided. Collection method: clinical testing. Allele origin: germline.
Comment: This variant is classified as likely benign based on ACMG/AMP sequence variant interpretation guidelines (Richards et al. 2015 PMID: 25741868, with internal and published modifications).